The following is an entry in ClinVar:

ClinVar aggregate classification (germline): Uncertain significance (1 of 4 stars; one submission).

Conditions:
Cardiovascular phenotype. Identifiers: MedGen CN230736.

gnomAD v4.1: 1 of 1,521,634 alleles (0.000066%); highest among the groups gnomAD compares: Non-Finnish European, 0.000088%; no homozygotes.

Submission:

Ambry Genetics
Classification: Uncertain significance for Cardiovascular phenotype. Last evaluated: 2024-01-27. Review status: criteria provided, single submitter. Criteria: Ambry Variant Classification Scheme 2023. Collection method: clinical testing. Allele origin: germline.
Comment: The p.P43A variant (also known as c.127C>G), located in coding exon 1 of the HCN4 gene, results from a C to G substitution at nucleotide position 127. The proline at codon 43 is replaced by alanine, an amino acid with highly similar properties. This amino acid position is conserved. In addition, this alteration is predicted to be tolerated by in silico analysis. Based on the available evidence, the clinical significance of this alteration remains unclear.

NM_005477.3(HCN4):c.127C>G (p.Pro43Ala)

Gene: HCN4 (hyperpolarization activated cyclic nucleotide gated potassium channel 4; minus strand). Cytogenetic location: 15q24.1.
Variant type: single nucleotide variant.
Coding change: c.127C>G on transcript NM_005477.3 (MANE Select); coding-DNA position 127, C replaced by G.
Protein change: p.Pro43Ala; replaces proline 43 with alanine.
Molecular consequence: missense variant.
Genome position (GRCh38, 1-based): chr15:73,368,144, G>C on the plus strand (C>G on the coding strand, the complement: HCN4 is on the minus strand). VCF-style: chr15-73368144-G-C. GRCh37 (hg19) VCF-style: chr15-73660485-G-C.
Other names: short protein forms P43A.
Identifiers: ClinVar variation 3224711 (VCV003224711.1), dbSNP rs2549080660, ClinGen allele CA393098943.